The following is an entry in ClinVar:

ClinVar aggregate classification (germline): Uncertain significance (1 of 4 stars; one submission).

Submission:

Ambry Genetics
Classification: Uncertain significance. Last evaluated: 2025-10-16. Review status: criteria provided, single submitter. Criteria: Ambry Variant Classification Scheme 2023. Collection method: clinical testing. Allele origin: germline.
Comment: The p.Q1719E variant (also known as c.5155C>G), located in coding exon 22 of the WNK2 gene, results from a C to G substitution at nucleotide position 5155. The glutamine at codon 1719 is replaced by glutamic acid, an amino acid with highly similar properties. This amino acid position is conserved. In addition, this alteration is predicted to be tolerated by in silico analysis. Based on the available evidence, the clinical significance of this variant remains unclear.

NM_006648.4(WNK2):c.5155C>G (p.Gln1719Glu)

Gene: WNK2 (WNK lysine deficient protein kinase 2; plus strand). Cytogenetic location: 9q22.31.
Variant type: single nucleotide variant.
Coding change: c.5155C>G on transcript NM_006648.4 (MANE Select); coding-DNA position 5155, C replaced by G.
Protein change: p.Gln1719Glu; replaces glutamine 1719 with glutamic acid.
Molecular consequence: missense variant.
Genome position (GRCh38, 1-based): chr9:93,292,620, C>G. VCF-style: chr9-93292620-C-G. GRCh37 (hg19) VCF-style: chr9-96054902-C-G.
Other names: c.5266C>G, p.Gln1756Glu (NM_001282394.3); short protein forms Q1756E, Q1719E.
Identifiers: ClinVar variation 4605268 (VCV004605268.1).